The following is an entry in ClinVar:

NM_001242896.3(DEPDC5):c.1474C>T (p.Arg492Ter)

Gene: DEPDC5 (DEP domain containing 5, GATOR1 subcomplex subunit; plus strand). Cytogenetic location: 22q12.3.
Variant type: single nucleotide variant.
Coding change: c.1474C>T on transcript NM_001242896.3 (MANE Select); coding-DNA position 1474, C replaced by T.
Protein change: p.Arg492Ter; replaces arginine 492 with a stop codon.
Molecular consequence: nonsense. On other transcripts: non-coding transcript variant (5).
Genome position (GRCh38, 1-based): chr22:31,815,020, C>T. VCF-style: chr22-31815020-C-T. GRCh37 (hg19) VCF-style: chr22-32211006-C-T.
Other names: c.1474C>T (NM_001242896.1); c.1474C>T, p.Arg492Ter (NM_001007188.4, NM_001136029.4, NM_001242897.2 and 7 more transcripts); c.1390C>T, p.Arg464Ter (NM_001369901.1, NM_001369902.1); short protein forms R492*, R464*.
Identifiers: ClinVar variation 374455 (VCV000374455.49), dbSNP rs1057519107, ClinGen allele CA16043743.

ClinVar aggregate classification (germline): Pathogenic. Review status: criteria provided, multiple submitters, no conflicts (2 of 4 stars). 4 submissions from 4 submitters: Pathogenic (4). Last evaluated 2026-06-23.

Conditions:
Epilepsy, familial focal, with variable foci 1 (FFEVF1). Also called: DEPDC5-Related Epilepsy. Identifiers: MedGen C4551983, MONDO:0024556, OMIM 604364.

gnomAD v4.1: 2 of 1,614,096 alleles (0.00012%); highest among the groups gnomAD compares: Non-Finnish European, 0.00017%; no homozygotes.

Submissions (4):

GeneDx
Classification: Pathogenic. Last evaluated: 2026-06-23. Review status: criteria provided, single submitter. Criteria: GeneDx Variant Classification Process June 2021. Collection method: clinical testing. Allele origin: germline.
Comment: Identified in multiple unrelated patients with clinical findings of DEPDC5-related epilepsy referred for genetic testing at GeneDx and in published literature (PMID: 30093711, 30945278, 38508103); Nonsense variant predicted to result in protein truncation or nonsense mediated decay in a gene for which loss of function is a known mechanism of disease; Not observed at significant frequency in large population cohorts (gnomAD); This variant is associated with the following publications: (PMID: 39843441, Goldhahn_2016_Abstract, 30945278, 33726816, 30093711, 38508103)

Institute of Human Genetics, University of Leipzig Medical Center
Classification: Pathogenic for Epilepsy, familial focal, with variable foci 1. Last evaluated: 2026-03-02. Review status: criteria provided, single submitter. Criteria: ACMG Guidelines, 2015. Collection method: clinical testing. Allele origin: unknown. Inheritance: Autosomal dominant inheritance. Affected: yes.
Comment: Criteria applied: PVS1,PS4_MOD,PM2_SUP

CeGaT Center for Human Genetics Tuebingen
Classification: Pathogenic. Last evaluated: 2025-04-01. Review status: criteria provided, single submitter. Criteria: CeGaT Center For Human Genetics Tuebingen Variant Classification Criteria Version 2. Collection method: clinical testing. Allele origin: germline. Affected: yes. Observed: 3 variant alleles.
Comment: DEPDC5: PVS1, PM2, PS4:Moderate

3billion
Classification: Pathogenic for Epilepsy, familial focal, with variable foci 1. Last evaluated: 2023-02-23. Review status: criteria provided, single submitter. Criteria: ACMG Guidelines, 2015. Collection method: clinical testing. Allele origin: unknown. Affected: yes.
Comment: The variant is not observed in the gnomAD v2.1.1 dataset. This variant was predicted to result in a loss or disruption of normal protein function through nonsense-mediated decay (NMD) or protein truncation. Multiple pathogenic variants are reported downstream of the variant. The variant has been reported to be associated with DEPDC5 related disorder (PMID: 30093711). Therefore, this variant is classified as Pathogenic according to the recommendation of ACMG/AMP guideline.

Literature cited by the submitters: PubMed 30093711 (cited by 3billion).